The following is an entry in ClinVar:

NM_002098.6(GUCA1B):c.449T>G (p.Phe150Cys)

Gene: GUCA1B (guanylate cyclase activator 1B; minus strand). Cytogenetic location: 6p21.1.
Variant type: single nucleotide variant.
Coding change: c.449T>G on transcript NM_002098.6 (MANE Select); coding-DNA position 449, T replaced by G.
Protein change: p.Phe150Cys; replaces phenylalanine 150 with cysteine.
Molecular consequence: missense variant.
Genome position (GRCh38, 1-based): chr6:42,185,706, A>C on the plus strand (T>G on the coding strand, the complement: GUCA1B is on the minus strand). VCF-style: chr6-42185706-A-C. GRCh37 (hg19) VCF-style: chr6-42153444-A-C.
Other names: short protein forms F150C.
Identifiers: ClinVar variation 1504663 (VCV001504663.8), dbSNP rs531673296, ClinGen allele CA3805550.

ClinVar aggregate classification (germline): Uncertain significance (1 of 4 stars; one submission).

Allele frequency attached by ClinVar (database versions not stated): ExAC 0.00003; gnomAD exomes 0.00003 and 0.00010; 1000 Genomes Project 30x 0.00016; TOPMed 0.00017; 1000 Genomes Project 0.00020; gnomAD 0.00029.
gnomAD v4.1: 86 of 1,605,054 alleles (0.0054%); highest among the groups gnomAD compares: Admixed American, 0.11%; no homozygotes.

Submission:

Labcorp Genetics (formerly Invitae), Labcorp
Classification: Uncertain significance. Last evaluated: 2023-06-10. Review status: criteria provided, single submitter. Criteria: Invitae Variant Classification Sherloc (09022015). Collection method: clinical testing. Allele origin: germline.
Comment: In summary, the available evidence is currently insufficient to determine the role of this variant in disease. Therefore, it has been classified as a Variant of Uncertain Significance. An algorithm developed to predict the effect of missense changes on protein structure and function (PolyPhen-2) suggests that this variant is likely to be disruptive. ClinVar contains an entry for this variant (Variation ID: 1504663). This missense change has been observed in individual(s) with clinical features of retinitis pigmentosa (PMID: 15505030). This variant is present in population databases (rs531673296, gnomAD 0.06%), and has an allele count higher than expected for a pathogenic variant. This sequence change replaces phenylalanine, which is neutral and non-polar, with cysteine, which is neutral and slightly polar, at codon 150 of the GUCA1B protein (p.Phe150Cys).

Literature cited by the submitters: PubMed 15505030.